The following is an entry in ClinVar:

NM_000368.5(TSC1):c.272C>T (p.Ser91Leu)

Gene: TSC1 (TSC complex subunit 1; minus strand). Cytogenetic location: 9q34.13.
Variant type: single nucleotide variant.
Coding change: c.272C>T on transcript NM_000368.5 (MANE Select); coding-DNA position 272, C replaced by T.
Protein change: p.Ser91Leu; replaces serine 91 with leucine.
Molecular consequence: missense variant. On other transcripts: 5 prime UTR variant (1), intron variant (1).
Genome position (GRCh38, 1-based): chr9:132,925,678, G>A on the plus strand (C>T on the coding strand, the complement: TSC1 is on the minus strand). VCF-style: chr9-132925678-G-A. GRCh37 (hg19) VCF-style: chr9-135801065-G-A.
Other names: c.272C>T, p.Ser91Leu (NM_001162426.2); c.-92C>T (NM_001362177.2); c.210+1523C>T (NM_001162427.2); short protein forms S91L.
Identifiers: ClinVar variation 645832 (VCV000645832.15), dbSNP rs118203361, ClinGen allele CA034438.

ClinVar aggregate classification (germline): Conflicting classifications of pathogenicity. Review status: criteria provided, conflicting classifications (1 of 4 stars). 4 submissions from 4 submitters: Uncertain significance (3); Likely benign (1). Last evaluated 2025-12-15.

Conditions:
Hereditary cancer-predisposing syndrome. Also called: Neoplastic Syndromes, Hereditary; Hereditary Cancer Syndrome; Hereditary neoplastic syndrome; Tumor predisposition. Identifiers: Orphanet 140162, MedGen C0027672, MeSH D009386, MONDO:0015356.
Tuberous sclerosis 1 (TSC1). Identifiers: Orphanet 805, MedGen C1854465, MONDO:0008612, OMIM 191100.
Lymphangiomyomatosis (LAM). Also called: Lymphangioleiomyomatosis, somatic; Lymphangioleiomyomatosis. Identifiers: Orphanet 538, MedGen C0751674, MONDO:0011705, OMIM 606690.
Isolated focal cortical dysplasia type II (FCORD2). Also called: CORTICAL DYSPLASIA OF TAYLOR; Focal cortical dysplasia type II. Identifiers: Orphanet 268994, MedGen C1846385, MONDO:0011818, OMIM 607341, HP:0032051.

Allele frequency attached by ClinVar (database versions not stated): gnomAD exomes below 0.00001 and 0.00001; TOPMed 0.00001; ExAC 0.00002.

Submissions (4):

Labcorp Genetics (formerly Invitae), Labcorp
Classification: Likely benign for Tuberous sclerosis 1. Last evaluated: 2025-12-15. Review status: criteria provided, single submitter. Criteria: Invitae Variant Classification Sherloc (09022015). Collection method: clinical testing. Allele origin: germline.

Ambry Genetics
Classification: Uncertain significance for Hereditary cancer-predisposing syndrome. Last evaluated: 2025-09-19. Review status: criteria provided, single submitter. Criteria: Ambry Variant Classification Scheme 2023. Collection method: clinical testing. Allele origin: germline.
Comment: The p.S91L variant (also known as c.272C>T), located in coding exon 3 of the TSC1 gene, results from a C to T substitution at nucleotide position 272. The serine at codon 91 is replaced by leucine, an amino acid with dissimilar properties. This amino acid position is not well conserved in available vertebrate species. In addition, this alteration is predicted to be tolerated by in silico analysis. Since supporting evidence is limited at this time, the clinical significance of this alteration remains unclear.

St. Jude Molecular Pathology, St. Jude Children's Research Hospital
Classification: Uncertain significance for Tuberous sclerosis 1. Last evaluated: 2024-07-25. Review status: criteria provided, single submitter. Criteria: St. Jude Assertion Criteria 2020. Collection method: clinical testing. Allele origin: germline.
Comment: The TSC1 c.272C>T (p.Ser91Leu) missense change has a maximum subpopulation frequency of 0.00088% in gnomAD v2.1.1. The in silico tool REVEL predicts a benign effect on protein function, but this prediction has not been confirmed by functional studies. This variant has not been reported in individuals with tuberous sclerosis complex. In summary, the evidence currently available is insufficient to determine the clinical significance of this variant. It has therefore been classified as of uncertain significance.

Fulgent Genetics
Classification: Uncertain significance for Tuberous sclerosis 1; Lymphangiomyomatosis; Isolated focal cortical dysplasia type II. Last evaluated: 2021-11-11. Review status: criteria provided, single submitter. Criteria: ACMG Guidelines, 2015. Collection method: clinical testing. Allele origin: unknown.